The following is an entry in ClinVar:

ClinVar aggregate classification (germline): Conflicting classifications of pathogenicity. Review status: criteria provided, conflicting classifications (1 of 4 stars). 2 submissions from 2 submitters: Uncertain significance (1); Likely benign (1). Last evaluated 2020-12-07.

Conditions:
Severe combined immunodeficiency due to DNA-PKcs deficiency. Also called: IMMUNODEFICIENCY 26 WITH NEUROLOGIC ABNORMALITIES; Immunodeficiency 26 with or without neurologic abnormalities. Identifiers: Orphanet 317425, MedGen C4014833, MONDO:0014423, OMIM 615966.
PRKDC-related disorder. Also called: PRKDC-related condition.

Submissions (2):

PreventionGenetics, part of Exact Sciences
Classification: Likely benign for PRKDC-related condition. Last evaluated: 2020-12-07. Review status: criteria provided, single submitter. Criteria: ACMG Guidelines, 2015. Collection method: clinical testing. Allele origin: germline.
Comment: This variant is classified as likely benign based on ACMG/AMP sequence variant interpretation guidelines (Richards et al. 2015 PMID: 25741868, with internal and published modifications).

Baylor Genetics
Classification: Uncertain significance for Severe combined immunodeficiency due to DNA-PKcs deficiency. Last evaluated: 2020-09-16. Review status: criteria provided, single submitter. Criteria: ACMG Guidelines, 2015. Collection method: clinical testing. Allele origin: unknown. Affected: yes.
Comment: This variant was determined to be of uncertain significance according to ACMG Guidelines, 2015 [PMID:25741868].

NM_006904.7(PRKDC):c.4773A>G (p.Lys1591=)

Gene: PRKDC (protein kinase, DNA-activated, catalytic subunit; minus strand). Cytogenetic location: 8q11.21.
Variant type: single nucleotide variant.
Coding change: c.4773A>G on transcript NM_006904.7 (MANE Select); coding-DNA position 4773, A replaced by G.
Protein change: p.Lys1591=; no amino-acid change (lysine 1591 retained).
Molecular consequence: synonymous variant.
Genome position (GRCh38, 1-based): chr8:47,885,947, T>C on the plus strand (A>G on the coding strand, the complement: PRKDC is on the minus strand). VCF-style: chr8-47885947-T-C. GRCh37 (hg19) VCF-style: chr8-48798508-T-C.
Other names: c.4773A>G, p.Lys1591= (NM_001081640.2).
Identifiers: ClinVar variation 1031107 (VCV001031107.2), dbSNP rs2089318466, ClinGen allele CA460602320.